The following is an entry in ClinVar:

NM_005120.3(MED12):c.4416-42_4416-15del

Gene: MED12 (mediator complex subunit 12; plus strand). Cytogenetic location: Xq13.1.
Variant type: Deletion.
Coding change: c.4416-42_4416-15del on transcript NM_005120.3 (MANE Select); 42 bases into the intron before coding-DNA position 4416 through 15 bases into the intron before coding-DNA position 4416, 28 bases deleted (CTCTTCTCTTCTCTTCTCTTCTCTTCTT).
Molecular consequence: intron variant.
Genome position (GRCh38, 1-based): chrX:71,132,803-71,132,830, CTCTTCTCTTCTCTTCTCTTCTCTTCTT deleted; deleting any 28 consecutive bases within chrX:71,132,799-71,132,830 gives the same sequence; the c. name uses the placement nearest the transcript's 3' end. VCF-style (leftmost placement, unchanged base first): chrX-71132798-CTCTTCTCTTCTCTTCTCTTCTCTTCTCT-C. GRCh37 (hg19) VCF-style: chrX-70352648-CTCTTCTCTTCTCTTCTCTTCTCTTCTCT-C.
Identifiers: ClinVar variation 3727817 (VCV003727817.2).

ClinVar aggregate classification (germline): Uncertain significance (1 of 4 stars; one submission).

Conditions:
FG syndrome (FGS). Identifiers: MedGen C0220769, MONDO:0002010.

Submission:

Labcorp Genetics (formerly Invitae), Labcorp
Classification: Uncertain significance for FG syndrome. Last evaluated: 2024-12-30. Review status: criteria provided, single submitter. Criteria: Invitae Variant Classification Sherloc (09022015). Collection method: clinical testing. Allele origin: germline.
Comment: This sequence change falls in intron 31 of the MED12 gene. It does not directly change the encoded amino acid sequence of the MED12 protein. This variant is not present in population databases (gnomAD no frequency). This variant has not been reported in the literature in individuals affected with MED12-related conditions. Experimental studies and prediction algorithms are not available or were not evaluated, and the effect of this variant on mRNA splicing is currently unknown. In summary, the available evidence is currently insufficient to determine the role of this variant in disease. Therefore, it has been classified as a Variant of Uncertain Significance.